The following is an entry in ClinVar:

ClinVar aggregate classification (germline): Pathogenic (1 of 4 stars; one submission).

Submission:

ARUP Laboratories, Molecular Genetics and Genomics, ARUP Laboratories
Classification: Pathogenic. Last evaluated: 2017-06-02. Review status: criteria provided, single submitter. Criteria: ARUP Molecular Germline Variant Investigation Process. Collection method: clinical testing. Allele origin: germline.
Comment: This variant occurs in a cysteine residue in one of the EGF-like domains of fibrillin-1 (Wu 1995), and has been previously reported as a variant associated with Marfan syndrome (MFS; Comeglio 2001). Each EGF-like domain contains six highly-conserved cysteines and the disulfide bridges formed between these residues are essential for protein folding; loss of one of these cysteines may interfere with proper disulfide bridge formation, disrupting protein structure. Accordingly, the revised Ghent nosology for MFS lists missense variants of cysteine residues as one of the criteria for classification of a variant as pathogenic (Loeys 2010). Additionally, the p.Cys1074Tyr variant is located in exon 26 - within the â€œneonatal MFSâ€ region (see Booms 1999) - and two different missense variants affecting cysteine 1074 have been reported in patients with early onset/severe forms of MSF (Baudhuin 2015 and Kainulainen 1994). Therefore, this variant is considered pathogenic and this result is consistent with a diagnosis of MFS or another FBN1-related disorder.

NM_000138.5(FBN1):c.3221G>A (p.Cys1074Tyr)

Gene: FBN1 (fibrillin 1; minus strand). Cytogenetic location: 15q21.1.
Variant type: single nucleotide variant.
Coding change: c.3221G>A on transcript NM_000138.5 (MANE Select); coding-DNA position 3221, G replaced by A.
Protein change: p.Cys1074Tyr; replaces cysteine 1074 with tyrosine.
Molecular consequence: missense variant.
Genome position (GRCh38, 1-based): chr15:48,488,229, C>T on the plus strand (G>A on the coding strand, the complement: FBN1 is on the minus strand). VCF-style: chr15-48488229-C-T. GRCh37 (hg19) VCF-style: chr15-48780426-C-T.
Other names: short protein forms C1074Y.
Identifiers: ClinVar variation 439705 (VCV000439705.8), dbSNP rs1555398645, ClinGen allele CA392327701.
Genomic context (GRCh38, chr15:48,488,229, plus strand): 5'-TCAAAGTCCCCAGGGGTGTTCACACACTGGCCTCTGCCACAGAGGTCAGGAGATATGCGG[C>T]ATTCGTCAATGTCTGCACAAAAACAGCAAGTGGCAGCAAATGAGTCTCAGGACAGCCTTA-3'
Protein context (NP_000129.3, residues 1064-1084): EERNCTDIDE[Cys1074Tyr]RISPDLCGRG